The following is an entry in ClinVar:

ClinVar aggregate classification (germline): Benign. Review status: criteria provided, multiple submitters, no conflicts (2 of 4 stars). 5 submissions from 5 submitters: Benign (5). Last evaluated 2026-08-01.

Conditions:
Cataract 6 multiple types. Also called: CATARACT 6, POSTERIOR POLAR; CATARACT 6, CONGENITAL TOTAL; CATARACT, AGE-RELATED CORTICAL, 2. Identifiers: Orphanet 91492, MedGen C1861825, MONDO:0007288, OMIM 116600.

Allele frequency attached by ClinVar (database versions not stated): 1000 Genomes Project 0.00699; 1000 Genomes Project 30x 0.00703; TOPMed 0.01034; ESP Exome Variant Server 0.01099; gnomAD exomes 0.01112; gnomAD 0.01185.
gnomAD v4.1: 19,842 of 1,613,854 alleles (1.2%); highest among the groups gnomAD compares: Admixed American, 1.5%; 158 homozygotes.

Submissions (5):

CeGaT Center for Human Genetics Tuebingen
Classification: Benign. Last evaluated: 2026-08-01. Review status: criteria provided, single submitter. Criteria: CeGaT Center For Human Genetics Tuebingen Variant Classification Criteria Version 2. Collection method: clinical testing. Allele origin: germline. Affected: yes. Observed: 7 variant alleles.
Comment: EPHA2: BP4, BP7, BS1, BS2

Labcorp Genetics (formerly Invitae), Labcorp
Classification: Benign for Cataract 6 multiple types. Last evaluated: 2026-01-06. Review status: criteria provided, single submitter. Criteria: Invitae Variant Classification Sherloc (09022015). Collection method: clinical testing. Allele origin: germline.

GeneDx
Classification: Benign. Last evaluated: 2018-10-12. Review status: criteria provided, single submitter. Criteria: GeneDx Variant Classification Process June 2021. Collection method: clinical testing. Allele origin: germline. Affected: yes.

Illumina Laboratory Services, Illumina
Classification: Benign for Cataract 6 multiple types. Last evaluated: 2018-01-12. Review status: criteria provided, single submitter. Criteria: ICSL Variant Classification Criteria 13 December 2019. Collection method: clinical testing. Allele origin: germline.
Comment: This variant was observed in the ICSL laboratory as part of a predisposition screen in an ostensibly healthy population. It had not been previously curated by ICSL or reported in the Human Gene Mutation Database (HGMD: prior to June 1st, 2018), and was therefore a candidate for classification through an automated scoring system. Utilizing variant allele frequency, disease prevalence and penetrance estimates, and inheritance mode, an automated score was calculated to assess if this variant is too frequent to cause the disease. Based on the score and internal cut-off values, a variant classified as benign is not then subjected to further curation. The score for this variant resulted in a classification of benign for this disease.

Breakthrough Genomics
Classification: Benign. Review status: criteria provided, single submitter. Criteria: ACMG Guidelines, 2015. Collection method: not provided. Allele origin: germline. Inheritance: Autosomal dominant inheritance. Affected: yes.

NM_004431.5(EPHA2):c.1941G>T (p.Thr647=)

Gene: EPHA2 (EPH receptor A2; minus strand). Cytogenetic location: 1p36.13.
Variant type: single nucleotide variant.
Coding change: c.1941G>T on transcript NM_004431.5 (MANE Select); coding-DNA position 1941, G replaced by T.
Protein change: p.Thr647=; no amino-acid change (threonine 647 retained).
Molecular consequence: synonymous variant.
Genome position (GRCh38, 1-based): chr1:16,133,292, C>A on the plus strand (G>T on the coding strand, the complement: EPHA2 is on the minus strand). VCF-style: chr1-16133292-C-A. GRCh37 (hg19) VCF-style: chr1-16459787-C-A.
Other names: c.1779G>T, p.Thr593= (NM_001329090.2).
Identifiers: ClinVar variation 293418 (VCV000293418.30), dbSNP rs56043737, ClinGen allele CA624990.
Genomic context (GRCh38, chr1:16,133,292, plus strand): 5'-CATGATGCCGGCCTCGCCGAGGAAGTCCACTCGCTGCTTCTCTGTGTAGCCGGCTTTCAG[C>A]GTCTTGATGGCCACCGGCACCTCCTTCTTCCCCGAGGATGTCTTCAGCATGCCCTTGTAC-3'
Protein context (NP_004422.2, residues 637-657): GKKEVPVAIK[Thr647=]LKAGYTEKQR